The following is an entry in ClinVar:

ClinVar aggregate classification (germline): Uncertain significance (1 of 4 stars; one submission).

Allele frequency attached by ClinVar (database versions not stated): gnomAD exomes below 0.00001; TOPMed below 0.00001; ExAC 0.00001.
gnomAD v4.1: 4 of 1,612,086 alleles (0.00025%); highest among the groups gnomAD compares: Non-Finnish European, 0.00034%; no homozygotes.

Submission:

Labcorp Genetics (formerly Invitae), Labcorp
Classification: Uncertain significance. Last evaluated: 2023-06-28. Review status: criteria provided, single submitter. Criteria: Invitae Variant Classification Sherloc (09022015). Collection method: clinical testing. Allele origin: germline.
Comment: This variant is present in population databases (rs763290287, gnomAD 0.002%). This variant has not been reported in the literature in individuals affected with NLGN2-related conditions. Advanced modeling of protein sequence and biophysical properties (such as structural, functional, and spatial information, amino acid conservation, physicochemical variation, residue mobility, and thermodynamic stability) performed at Invitae indicates that this missense variant is not expected to disrupt NLGN2 protein function. In summary, the available evidence is currently insufficient to determine the role of this variant in disease. Therefore, it has been classified as a Variant of Uncertain Significance. This sequence change replaces proline, which is neutral and non-polar, with serine, which is neutral and polar, at codon 477 of the NLGN2 protein (p.Pro477Ser).

NM_020795.4(NLGN2):c.1429C>T (p.Pro477Ser)

Gene: NLGN2 (neuroligin 2; plus strand). Cytogenetic location: 17p13.1.
Variant type: single nucleotide variant.
Coding change: c.1429C>T on transcript NM_020795.4 (MANE Select); coding-DNA position 1429, C replaced by T.
Protein change: p.Pro477Ser; replaces proline 477 with serine.
Molecular consequence: missense variant.
Genome position (GRCh38, 1-based): chr17:7,415,902, C>T. VCF-style: chr17-7415902-C-T. GRCh37 (hg19) VCF-style: chr17-7319221-C-T.
Other names: short protein forms P477S.
Identifiers: ClinVar variation 2980818 (VCV002980818.3), dbSNP rs763290287, ClinGen allele CA8346072.